The following is an entry in ClinVar:

NM_145868.2(ANXA11):c.1277-4C>T

Gene: ANXA11 (annexin A11; minus strand). Cytogenetic location: 10q22.3.
Variant type: single nucleotide variant.
Coding change: c.1277-4C>T on transcript NM_145868.2 (MANE Select); 4 bases into the intron before coding-DNA position 1277, C replaced by T.
Molecular consequence: intron variant.
Genome position (GRCh38, 1-based): chr10:80,158,029, G>A on the plus strand (C>T on the coding strand, the complement: ANXA11 is on the minus strand). VCF-style: chr10-80158029-G-A. GRCh37 (hg19) VCF-style: chr10-81917785-G-A.
Other names: c.1277-4C>T (NM_001278407.2, NM_001157.3, NM_145869.2 and 1 more transcripts); c.1178-4C>T (NM_001278409.2).
Identifiers: ClinVar variation 4885597 (VCV004885597.2).

ClinVar aggregate classification (germline): Uncertain significance (1 of 4 stars; one submission).

Submission:

Dasa
Classification: Uncertain significance. Last evaluated: 2025-08-19. Review status: criteria provided, single submitter. Criteria: DASA Assertion Criteria. Collection method: clinical testing. Allele origin: germline.
Comment: NM_145868.2(ANXA11):c.1277-4C>T is a splice-region variant. This variant is absent from population databases. Computational prediction algorithms are consistent with a benign effect. The currently available literature and clinical evidence are not sufficient to establish a definitive association between this variant and the reported condition. Therefore, this variant is classified as a variant of uncertain significance.